The following is an entry in ClinVar:

ClinVar aggregate classification (germline): Uncertain significance. Review status: criteria provided, multiple submitters, no conflicts (2 of 4 stars). 2 submissions from 2 submitters: Uncertain significance (2). Last evaluated 2025-10-12.

Conditions:
Fanconi anemia (FA). Also called: Fanconi's anemia. Identifiers: Orphanet 84, MedGen C0015625, MeSH D005199, MONDO:0019391.
Inborn genetic diseases. Identifiers: MedGen C0950123, MeSH D030342.

Allele frequency attached by ClinVar (database versions not stated): gnomAD exomes below 0.00001 and 0.00001; ExAC 0.00001; gnomAD 0.00001; TOPMed 0.00002.
gnomAD v4.1: 6 of 1,199,231 alleles (0.0005%); highest among the groups gnomAD compares: Non-Finnish European, 0.00068%; no homozygotes.

Submissions (2):

Labcorp Genetics (formerly Invitae), Labcorp
Classification: Uncertain significance for Fanconi anemia. Last evaluated: 2025-10-12. Review status: criteria provided, single submitter. Criteria: Invitae Variant Classification Sherloc (09022015). Collection method: clinical testing. Allele origin: germline.
Comment: This sequence change replaces isoleucine, which is neutral and non-polar, with valine, which is neutral and non-polar, at codon 740 of the FANCB protein (p.Ile740Val). This variant is present in population databases (rs746453967, gnomAD 0.001%), including at least one homozygous and/or hemizygous individual. This variant has not been reported in the literature in individuals affected with FANCB-related conditions. ClinVar contains an entry for this variant (Variation ID: 1403553). Invitae Evidence Modeling of protein sequence and biophysical properties (such as structural, functional, and spatial information, amino acid conservation, physicochemical variation, residue mobility, and thermodynamic stability) indicates that this missense variant is not expected to disrupt FANCB protein function with a negative predictive value of 80%. In summary, the available evidence is currently insufficient to determine the role of this variant in disease. Therefore, it has been classified as a Variant of Uncertain Significance.

Ambry Genetics
Classification: Uncertain significance for Inborn genetic diseases. Last evaluated: 2024-12-30. Review status: criteria provided, single submitter. Criteria: Ambry Variant Classification Scheme 2023. Collection method: clinical testing. Allele origin: germline.

NM_001018113.3(FANCB):c.2218A>G (p.Ile740Val)

Gene: FANCB (FA complementation group B; minus strand). Cytogenetic location: Xp22.2.
Variant type: single nucleotide variant.
Coding change: c.2218A>G on transcript NM_001018113.3 (MANE Select); coding-DNA position 2218, A replaced by G.
Protein change: p.Ile740Val; replaces isoleucine 740 with valine.
Molecular consequence: missense variant.
Genome position (GRCh38, 1-based): chrX:14,843,929, T>C on the plus strand (A>G on the coding strand, the complement: FANCB is on the minus strand). VCF-style: chrX-14843929-T-C. GRCh37 (hg19) VCF-style: chrX-14862051-T-C.
Other names: c.2218A>G (NM_001018113.1); c.2218A>G, p.Ile740Val (NM_001324162.2, NM_152633.4); short protein forms I740V.
Identifiers: ClinVar variation 1403553 (VCV001403553.6), dbSNP rs746453967, ClinGen allele CA10352940.